The following is an entry in ClinVar:

NM_002693.3(POLG):c.2368C>T (p.Arg790Cys)

Gene: POLG (DNA polymerase gamma, catalytic subunit; minus strand). Cytogenetic location: 15q26.1.
Variant type: single nucleotide variant.
Coding change: c.2368C>T on transcript NM_002693.3 (MANE Select); coding-DNA position 2368, C replaced by T.
Protein change: p.Arg790Cys; replaces arginine 790 with cysteine.
Molecular consequence: missense variant.
Genome position (GRCh38, 1-based): chr15:89,322,800, G>A on the plus strand (C>T on the coding strand, the complement: POLG is on the minus strand). VCF-style: chr15-89322800-G-A. GRCh37 (hg19) VCF-style: chr15-89866031-G-A.
Other names: p.R790C:CGT>TGT; c.2368C>T, p.Arg790Cys (NM_001126131.2); short protein forms R790C.
Identifiers: ClinVar variation 206522 (VCV000206522.10), dbSNP rs775168496, ClinGen allele CA316689.

ClinVar aggregate classification (germline): Uncertain significance. Review status: criteria provided, multiple submitters, no conflicts (2 of 4 stars). 4 submissions from 4 submitters: Uncertain significance (4). Last evaluated 2024-12-09.

Conditions:
Progressive sclerosing poliodystrophy (MTDPS4A). Also called: ALPERS DIFFUSE DEGENERATION OF CEREBRAL GRAY MATTER WITH HEPATIC CIRRHOSIS; Mitochondrial DNA depletion syndrome 4A (Alpers type); Alpers Syndrome; Alpers-Huttenlocher Syndrome; Mitochondrial DNA Depletion Syndrome 4A; Alpers-Huttenlocher Syndrome (AHS). Identifiers: Orphanet 726, MedGen C0205710, MONDO:0008758, OMIM 203700.

Allele frequency attached by ClinVar (database versions not stated): gnomAD 0.00001 and 0.00002; TOPMed 0.00002; ExAC 0.00003; gnomAD exomes 0.00003 and 0.00004.
gnomAD v4.1: 44 of 1,614,022 alleles (0.0027%); highest among the groups gnomAD compares: East Asian, 0.0089%; no homozygotes.

Submissions (4):

Labcorp Genetics (formerly Invitae), Labcorp
Classification: Uncertain significance for Progressive sclerosing poliodystrophy. Last evaluated: 2024-12-09. Review status: criteria provided, single submitter. Criteria: Invitae Variant Classification Sherloc (09022015). Collection method: clinical testing. Allele origin: germline.
Comment: This sequence change replaces arginine, which is basic and polar, with cysteine, which is neutral and slightly polar, at codon 790 of the POLG protein (p.Arg790Cys). This variant is present in population databases (rs775168496, gnomAD 0.02%). This missense change has been observed in individual(s) with a developmental disorder or cerebral palsy (PMID: 33057194, 35982159, 38693247). ClinVar contains an entry for this variant (Variation ID: 206522). Invitae Evidence Modeling of protein sequence and biophysical properties (such as structural, functional, and spatial information, amino acid conservation, physicochemical variation, residue mobility, and thermodynamic stability) indicates that this missense variant is expected to disrupt POLG protein function with a positive predictive value of 95%. In summary, the available evidence is currently insufficient to determine the role of this variant in disease. Therefore, it has been classified as a Variant of Uncertain Significance.

GeneDx
Classification: Uncertain significance. Last evaluated: 2024-03-12. Review status: criteria provided, single submitter. Criteria: GeneDx Variant Classification Process June 2021. Collection method: clinical testing. Allele origin: germline. Affected: yes.
Comment: De novo variant with confirmed parentage in a patient in published literature from a cohort of individuals with developmental disorders, however, detailed clinical information was not provided (PMID: 33057194); In silico analysis supports that this missense variant has a deleterious effect on protein structure/function; This variant is associated with the following publications: (PMID: 35982159, 33057194)

Blueprint Genetics
Classification: Uncertain significance. Last evaluated: 2024-01-11. Review status: criteria provided, single submitter. Criteria: ACMG Guidelines, 2015. Collection method: clinical testing. Allele origin: germline.

Athena Diagnostics
Classification: Uncertain significance. Last evaluated: 2022-04-08. Review status: criteria provided, single submitter. Criteria: Athena Diagnostics Criteria. Collection method: clinical testing. Allele origin: unknown.

Literature cited by the submitters: PubMed 33057194 (cited by Labcorp Genetics (formerly Invitae), Labcorp); PubMed 35982159 (cited by Labcorp Genetics (formerly Invitae), Labcorp); PubMed 38693247 (cited by Labcorp Genetics (formerly Invitae), Labcorp).